The following is an entry in ClinVar:

ClinVar aggregate classification (germline): Uncertain significance. Review status: criteria provided, multiple submitters, no conflicts (2 of 4 stars). 3 submissions from 3 submitters: Uncertain significance (3). Last evaluated 2025-10-07.

Conditions:
FRAXE. Also called: Fragile XE syndrome; FRAXE Syndrome; Intellectual disability, X-linked, FRAXE type; Intellectual developmental disorder, X-linked 109; FRAXE intellectual disability. Identifiers: Orphanet 100973, MedGen C0751157, MONDO:0010659, OMIM 309548. Disease mechanism: loss of function.

gnomAD v4.1: 2 of 1,202,239 alleles (0.00017%); highest among the groups gnomAD compares: Non-Finnish European, 0.00023%; no homozygotes.

Submissions (3):

Clinical Genomics Laboratory, Washington University in St. Louis
Classification: Uncertain significance for FRAXE. Last evaluated: 2025-10-07. Review status: criteria provided, single submitter. Criteria: ACMG Guidelines, 2015. Collection method: clinical testing. Allele origin: germline.
Comment: The AFF2 c.3267+5G>C variant, to our knowledge, has not been reported in the medical literature but has been reported in the ClinVar database as a germline variant of uncertain significance by two submitters. This variant is only observed on 1/179,841 alleles in the general population (gnomAD v.2.1.1), indicating it is not a common variant. Computational predictors indicate that this variant would alter splicing, evidence that correlates with an impact of this variant on AFF2 function. Due to limited information, and based on ACMG/AMP guidelines for variant interpretation (Richards S et al., PMID: 25741868), the clinical significance of this variant is uncertain at this time.

Women's Health and Genetics/Laboratory Corporation of America, LabCorp
Classification: Uncertain significance. Last evaluated: 2023-03-29. Review status: criteria provided, single submitter. Criteria: LabCorp Variant Classification Summary - May 2015. Collection method: clinical testing. Allele origin: germline.
Comment: Variant summary: AFF2 c.3267+5G>C alters a conserved nucleotide located close to a canonical splice site and therefore could affect mRNA splicing, leading to a significantly altered protein sequence. One in silico tool predicts the variant has a probably damaging effect on splicing. The variant allele was found at a frequency of 5.6e-06 in 179841 control chromosomes (i.e. one female carrier in gnomAD). The available data on variant occurrences in the general population are insufficient to allow any conclusion about variant significance. To our knowledge, no occurrence of c.3267+5G>C in individuals affected with Fragile XE Syndrome and no experimental evidence demonstrating its impact on protein function have been reported. One clinical diagnostic laboratory has submitted clinical-significance assessments for this variant to ClinVar after 2014, and classified the variant as uncertain significance. Based on the evidence outlined above, the variant was classified as uncertain significance.

Labcorp Genetics (formerly Invitae), Labcorp
Classification: Uncertain significance. Last evaluated: 2020-08-09. Review status: criteria provided, single submitter. Criteria: Invitae Variant Classification Sherloc (09022015). Collection method: clinical testing. Allele origin: germline.
Comment: In summary, the available evidence is currently insufficient to determine the role of this variant in disease. Therefore, it has been classified as a Variant of Uncertain Significance. Nucleotide substitutions within the consensus splice site are a relatively common cause of aberrant splicing (PMID: 17576681, 9536098). Algorithms developed to predict the effect of sequence changes on RNA splicing suggest that this variant may disrupt the consensus splice site, but this prediction has not been confirmed by published transcriptional studies. This variant has not been reported in the literature in individuals with AFF2-related conditions. This variant is not present in population databases (ExAC no frequency). This sequence change falls in intron 15 of the AFF2 gene. It does not directly change the encoded amino acid sequence of the AFF2 protein, but it affects a nucleotide within the consensus splice site of the intron.

Literature cited by the submitters: PubMed 17576681 (cited by Labcorp Genetics (formerly Invitae), Labcorp); PubMed 9536098 (cited by Labcorp Genetics (formerly Invitae), Labcorp).

NM_002025.4(AFF2):c.3267+5G>C

Gene: AFF2 (ALF transcription elongation factor 2; plus strand). Cytogenetic location: Xq28.
Variant type: single nucleotide variant.
Coding change: c.3267+5G>C on transcript NM_002025.4 (MANE Select); 5 bases into the intron after coding-DNA position 3267, G replaced by C.
Molecular consequence: intron variant.
Genome position (GRCh38, 1-based): chrX:148,967,697, G>C. VCF-style: chrX-148967697-G-C. GRCh37 (hg19) VCF-style: chrX-148049227-G-C.
Other names: c.3162+5G>C (NM_001169124.2, NM_001169122.2); c.3237+5G>C (NM_001169123.2); c.3150+5G>C (NM_001169125.2); c.2190+5G>C (NM_001170628.1); c.3267+5G>C (NM_002025.3).
Identifiers: ClinVar variation 1062393 (VCV001062393.8), dbSNP rs374064624, ClinGen allele CA645042081.